The following is an entry in ClinVar:

ClinVar aggregate classification (germline): Uncertain significance (1 of 4 stars; one submission).

Conditions:
Hypertrophic cardiomyopathy 26. Also called: Cardiomyopathy, familial hypertrophic, 26. Identifiers: Orphanet 75249, MedGen C4310749, MONDO:0014883, OMIM 617047.
Myofibrillar myopathy 5. Also called: Filaminopathy (type); FILAMINOPATHY, AUTOSOMAL DOMINANT. Identifiers: Orphanet 171445, MedGen C1836050, MONDO:0012289, OMIM 609524.
Distal myopathy with posterior leg and anterior hand involvement. Also called: WILLIAMS DISTAL MYOPATHY. Identifiers: Orphanet 63273, MedGen C3279722, MONDO:0013550, OMIM 614065.

Submission:

Labcorp Genetics (formerly Invitae), Labcorp
Classification: Uncertain significance for Distal myopathy with posterior leg and anterior hand involvement; Myofibrillar myopathy 5; Hypertrophic cardiomyopathy 26. Last evaluated: 2024-03-01. Review status: criteria provided, single submitter. Criteria: Invitae Variant Classification Sherloc (09022015). Collection method: clinical testing. Allele origin: germline.
Comment: This sequence change replaces arginine, which is basic and polar, with serine, which is neutral and polar, at codon 2173 of the FLNC protein (p.Arg2173Ser). This variant is not present in population databases (gnomAD no frequency). This variant has not been reported in the literature in individuals affected with FLNC-related conditions. An algorithm developed to predict the effect of missense changes on protein structure and function (PolyPhen-2) suggests that this variant is likely to be tolerated. In summary, the available evidence is currently insufficient to determine the role of this variant in disease. Therefore, it has been classified as a Variant of Uncertain Significance.

NM_001458.5(FLNC):c.6517C>A (p.Arg2173Ser)

Genes: FLNC-AS1 (FLNC antisense RNA 1; minus strand), FLNC (filamin C; plus strand). Cytogenetic location: 7q32.1.
Variant type: single nucleotide variant.
Coding change: c.6517C>A on transcript NM_001458.5 (MANE Select); coding-DNA position 6517, C replaced by A.
Protein change: p.Arg2173Ser; replaces arginine 2173 with serine.
Molecular consequence: missense variant.
Genome position (GRCh38, 1-based): chr7:128,854,006, C>A. VCF-style: chr7-128854006-C-A. GRCh37 (hg19) VCF-style: chr7-128494060-C-A.
Other names: c.6418C>A, p.Arg2140Ser (NM_001127487.2); short protein forms R2173S, R2140S.
Identifiers: ClinVar variation 2939300 (VCV002939300.3), dbSNP rs767250474, ClinGen allele CA369212735.